The following is an entry in ClinVar:

NM_001267550.2(TTN):c.101596A>C (p.Ile33866Leu)

Genes: TTN-AS1 (TTN antisense RNA 1; plus strand), TTN (titin; minus strand). Cytogenetic location: 2q31.2.
Variant type: single nucleotide variant.
Coding change: c.101596A>C on transcript NM_001267550.2 (MANE Select); coding-DNA position 101596, A replaced by C.
Protein change: p.Ile33866Leu; replaces isoleucine 33866 with leucine.
Molecular consequence: missense variant.
Genome position (GRCh38, 1-based): chr2:178,535,019, T>G on the plus strand (A>C on the coding strand, the complement: TTN is on the minus strand). VCF-style: chr2-178535019-T-G. GRCh37 (hg19) VCF-style: chr2-179399746-T-G.
Other names: c.96673A>C, p.Ile32225Leu (NM_001256850.1); c.74401A>C, p.Ile24801Leu (NM_003319.4); c.93892A>C, p.Ile31298Leu (NM_133378.4); c.74776A>C, p.Ile24926Leu (NM_133432.3); c.74977A>C, p.Ile24993Leu (NM_133437.4); short protein forms I24801L, I24926L, I24993L, I31298L, I32225L, I33866L.
Identifiers: ClinVar variation 3759456 (VCV003759456.2).

ClinVar aggregate classification (germline): Uncertain significance (1 of 4 stars; one submission).

Conditions:
Dilated cardiomyopathy 1G (CMD1G). Identifiers: Orphanet 154, MedGen C1858763, MONDO:0011400, OMIM 604145.
Autosomal recessive limb-girdle muscular dystrophy type 2J (LGMDR10). Also called: Limb-girdle muscular dystrophy, type 2J; MUSCULAR DYSTROPHY, LIMB-GIRDLE, AUTOSOMAL RECESSIVE 10. Identifiers: Orphanet 140922, MedGen C1837342, MONDO:0012127, OMIM 608807.

Submission:

Labcorp Genetics (formerly Invitae), Labcorp
Classification: Uncertain significance for Dilated cardiomyopathy 1G; Autosomal recessive limb-girdle muscular dystrophy type 2J. Last evaluated: 2024-10-13. Review status: criteria provided, single submitter. Criteria: Invitae Variant Classification Sherloc (09022015). Collection method: clinical testing. Allele origin: germline.
Comment: This sequence change replaces isoleucine, which is neutral and non-polar, with leucine, which is neutral and non-polar, at codon 33866 of the TTN protein (p.Ile33866Leu). This variant is not present in population databases (gnomAD no frequency). This variant has not been reported in the literature in individuals affected with TTN-related conditions. Experimental studies and prediction algorithms are not available or were not evaluated, and the functional significance of this variant is currently unknown. This variant is located in the M band of TTN (PMID: 25589632). Non-truncating variants in this region may be relevant for neuromuscular disorders, but have not been definitively shown to cause cardiomyopathy (PMID: 23975875). In summary, the available evidence is currently insufficient to determine the role of this variant in disease. Therefore, it has been classified as a Variant of Uncertain Significance.

Literature cited by the submitters: PubMed 25589632; PubMed 23975875.